The following is an entry in ClinVar:

ClinVar aggregate classification (germline): Pathogenic (1 of 4 stars; one submission).

Conditions:
Dihydropteridine reductase deficiency (HPABH4C). Also called: BH4-Deficient Hyperphenylalaninemia C; HYPERPHENYLALANINEMIA, TETRAHYDROBIOPTERIN-DEFICIENT, DUE TO DHPR DEFICIENCY; QDPR DEFICIENCY; QUINOID DIHYDROPTERIDINE REDUCTASE DEFICIENCY; Phenylketonuria II; Hyperphenylalaninemia due to dihydropteridine reductase deficiency. Identifiers: Orphanet 226, Orphanet 238583, MedGen C0268465, MONDO:0009862, OMIM 261630.

Submission:

Labcorp Genetics (formerly Invitae), Labcorp
Classification: Pathogenic for Dihydropteridine reductase deficiency. Last evaluated: 2024-08-28. Review status: criteria provided, single submitter. Criteria: Invitae Variant Classification Sherloc (09022015). Collection method: clinical testing. Allele origin: germline.
Comment: This sequence change affects a donor splice site in intron 6 of the QDPR gene. While this variant is not anticipated to result in nonsense mediated decay, it likely alters RNA splicing and results in a disrupted protein product. This variant is not present in population databases (gnomAD no frequency). This variant has not been reported in the literature in individuals affected with QDPR-related conditions. Variants that disrupt the consensus splice site are a relatively common cause of aberrant splicing (PMID: 17576681, 9536098). Algorithms developed to predict the effect of sequence changes on RNA splicing suggest that this variant may disrupt the consensus splice site. This variant disrupts a region of the QDPR protein in which other variant(s) (p.Arg221*) have been determined to be pathogenic (PMID: 8518287, 19099731, 27246466, 30109838). This suggests that this is a clinically significant region of the protein, and that variants that disrupt it are likely to be disease-causing. For these reasons, this variant has been classified as Pathogenic.

Literature cited by the submitters: PubMed 17576681; PubMed 9536098; PubMed 8518287; PubMed 19099731; PubMed 27246466; PubMed 30109838.

NM_000320.3(QDPR):c.629+1G>A

Gene: QDPR (quinoid dihydropteridine reductase; minus strand). Cytogenetic location: 4p15.32.
Variant type: single nucleotide variant.
Coding change: c.629+1G>A on transcript NM_000320.3 (MANE Select); the canonical splice donor site of the intron after coding-DNA position 629, G replaced by A.
Molecular consequence: splice donor variant.
Genome position (GRCh38, 1-based): chr4:17,490,661, C>T on the plus strand (G>A on the coding strand, the complement: QDPR is on the minus strand). VCF-style: chr4-17490661-C-T. GRCh37 (hg19) VCF-style: chr4-17492284-C-T.
Other names: c.536+1G>A (NM_001306140.2).
Identifiers: ClinVar variation 3695096 (VCV003695096.2).